The following is an entry in ClinVar:

ClinVar aggregate classification (germline): Uncertain significance. Review status: criteria provided, multiple submitters, no conflicts (2 of 4 stars). 2 submissions from 2 submitters: Uncertain significance (2). Last evaluated 2025-09-26.

Conditions:
Inborn genetic diseases. Identifiers: MedGen C0950123, MeSH D030342.

Allele frequency attached by ClinVar (database versions not stated): ExAC 0.00003; gnomAD 0.00001; TOPMed 0.00001; gnomAD exomes 0.00002.
gnomAD v4.1: 13 of 1,614,088 alleles (0.00081%); highest among the groups gnomAD compares: Admixed American, 0.022%; no homozygotes.

Submissions (2):

Ambry Genetics
Classification: Uncertain significance for Inborn genetic diseases. Last evaluated: 2025-09-26. Review status: criteria provided, single submitter. Criteria: Ambry Variant Classification Scheme 2023. Collection method: clinical testing. Allele origin: germline.

Labcorp Genetics (formerly Invitae), Labcorp
Classification: Uncertain significance. Last evaluated: 2025-07-10. Review status: criteria provided, single submitter. Criteria: Invitae Variant Classification Sherloc (09022015). Collection method: clinical testing. Allele origin: germline.
Comment: This sequence change replaces serine, which is neutral and polar, with proline, which is neutral and non-polar, at codon 396 of the ALPK1 protein (p.Ser396Pro). This variant is present in population databases (rs745707047, gnomAD 0.04%). This variant has not been reported in the literature in individuals affected with ALPK1-related conditions. ClinVar contains an entry for this variant (Variation ID: 2884530). Invitae Evidence Modeling of protein sequence and biophysical properties (such as structural, functional, and spatial information, amino acid conservation, physicochemical variation, residue mobility, and thermodynamic stability) indicates that this missense variant is not expected to disrupt ALPK1 protein function with a negative predictive value of 80%. In summary, the available evidence is currently insufficient to determine the role of this variant in disease. Therefore, it has been classified as a Variant of Uncertain Significance.

NM_025144.4(ALPK1):c.1186T>C (p.Ser396Pro)

Gene: ALPK1 (alpha kinase 1; plus strand). Cytogenetic location: 4q25.
Variant type: single nucleotide variant.
Coding change: c.1186T>C on transcript NM_025144.4 (MANE Select); coding-DNA position 1186, T replaced by C.
Protein change: p.Ser396Pro; replaces serine 396 with proline.
Molecular consequence: missense variant.
Genome position (GRCh38, 1-based): chr4:112,430,733, T>C. VCF-style: chr4-112430733-T-C. GRCh37 (hg19) VCF-style: chr4-113351889-T-C.
Other names: c.1186T>C (NM_025144.3); c.1186T>C, p.Ser396Pro (NM_001102406.2); c.952T>C, p.Ser318Pro (NM_001253884.2); short protein forms S318P, S396P.
Identifiers: ClinVar variation 2884530 (VCV002884530.4), dbSNP rs745707047, ClinGen allele CA3046681.